The following is an entry in ClinVar:

NM_181882.3(PRX):c.16C>G (p.Arg6Gly)

Gene: PRX (periaxin; minus strand). Cytogenetic location: 19q13.2.
Variant type: single nucleotide variant.
Coding change: c.16C>G on transcript NM_181882.3 (MANE Select); coding-DNA position 16, C replaced by G.
Protein change: p.Arg6Gly; replaces arginine 6 with glycine.
Molecular consequence: missense variant.
Genome position (GRCh38, 1-based): chr19:40,407,917, G>C on the plus strand (C>G on the coding strand, the complement: PRX is on the minus strand). VCF-style: chr19-40407917-G-C. GRCh37 (hg19) VCF-style: chr19-40913824-G-C.
Other names: p.Arg6Gly; c.16C>G, p.Arg6Gly (NM_020956.2); short protein forms R6G.
Identifiers: ClinVar variation 246377 (VCV000246377.15), dbSNP rs759056060, ClinGen allele CA10584615.
Genomic context (GRCh38, chr19:40,407,917, plus strand): 5'-GCCTCCCCATTGCCCTCAAGTGCGCCTTGCAGGACACGTGGGCACTCACCTCGGCACTCC[G>C]GCTCCTGGCCTCCATGGCGTTGCTGGGAGGCACCTGCACCCCAGGCTCCTGTGTCCTCTC-3'
Protein context (NP_870998.2, residues 1-16): MEARS[Arg6Gly]SAEELRRAEL

ClinVar aggregate classification (germline): Uncertain significance. Review status: criteria provided, multiple submitters, no conflicts (2 of 4 stars). 4 submissions from 4 submitters: Uncertain significance (4). Last evaluated 2025-08-09.

Conditions:
Inborn genetic diseases. Identifiers: MedGen C0950123, MeSH D030342.
Charcot-Marie-Tooth disease type 4. Also called: Charcot-Marie-Tooth disease, type IV; Charcot-Marie-Tooth, Type 4. Identifiers: Orphanet 64749, MedGen C4082197, MONDO:0018995.

Allele frequency attached by ClinVar (database versions not stated): TOPMed 0.00002; gnomAD 0.00010.

Submissions (4):

Ambry Genetics
Classification: Uncertain significance for Inborn genetic diseases. Last evaluated: 2025-08-09. Review status: criteria provided, single submitter. Criteria: Ambry Variant Classification Scheme 2023. Collection method: clinical testing. Allele origin: germline.

GeneDx
Classification: Uncertain significance. Last evaluated: 2022-12-08. Review status: criteria provided, single submitter. Criteria: GeneDx Variant Classification Process June 2021. Collection method: clinical testing. Allele origin: germline. Affected: yes.
Comment: In silico analysis supports that this missense variant does not alter protein structure/function; Has not been previously published as pathogenic or benign to our knowledge

Labcorp Genetics (formerly Invitae), Labcorp
Classification: Uncertain significance for Charcot-Marie-Tooth disease type 4. Last evaluated: 2022-08-15. Review status: criteria provided, single submitter. Criteria: Invitae Variant Classification Sherloc (09022015). Collection method: clinical testing. Allele origin: germline.
Comment: This sequence change replaces arginine, which is basic and polar, with glycine, which is neutral and non-polar, at codon 6 of the PRX protein (p.Arg6Gly). This variant is present in population databases (no rsID available, gnomAD no frequency). This variant has not been reported in the literature in individuals affected with PRX-related conditions. ClinVar contains an entry for this variant (Variation ID: 246377). Algorithms developed to predict the effect of missense changes on protein structure and function are either unavailable or do not agree on the potential impact of this missense change (SIFT: "Deleterious"; PolyPhen-2: "Not Available"; Align-GVGD: "Class C0"). In summary, the available evidence is currently insufficient to determine the role of this variant in disease. Therefore, it has been classified as a Variant of Uncertain Significance.

Mayo Clinic Laboratories, Mayo Clinic
Classification: Uncertain significance. Last evaluated: 2021-04-15. Review status: criteria provided, single submitter. Criteria: ACMG Guidelines, 2015. Collection method: clinical testing. Allele origin: germline.